The following is an entry in ClinVar:

NM_194248.3(OTOF):c.828C>T (p.Cys276=)

Gene: OTOF (otoferlin; minus strand). Cytogenetic location: 2p23.3.
Variant type: single nucleotide variant.
Coding change: c.828C>T on transcript NM_194248.3 (MANE Select); coding-DNA position 828, C replaced by T.
Protein change: p.Cys276=; no amino-acid change (cysteine 276 retained).
Molecular consequence: synonymous variant.
Genome position (GRCh38, 1-based): chr2:26,495,011, G>A on the plus strand (C>T on the coding strand, the complement: OTOF is on the minus strand). VCF-style: chr2-26495011-G-A. GRCh37 (hg19) VCF-style: chr2-26717879-G-A.
Other names: c.828C>T, p.Cys276= (NM_001287489.2); c.828C>T (NM_194248.2).
Identifiers: ClinVar variation 1208252 (VCV001208252.8), dbSNP rs111033447, ClinGen allele CA1564485.

ClinVar aggregate classification (germline): Likely benign. Review status: criteria provided, multiple submitters, no conflicts (2 of 4 stars). 3 submissions from 3 submitters: Likely benign (2). 1 of the submissions does not count toward it. Last evaluated 2024-02-24.

Conditions:
OTOF-related disorder. Also called: OTOF-related condition.

Allele frequency attached by ClinVar (database versions not stated): ExAC 0.00002; gnomAD 0.00003; gnomAD exomes 0.00004 and 0.00011; ESP Exome Variant Server 0.00015.

Submissions (3):

Labcorp Genetics (formerly Invitae), Labcorp
Classification: Likely benign. Last evaluated: 2024-02-24. Review status: criteria provided, single submitter. Criteria: Invitae Variant Classification Sherloc (09022015). Collection method: clinical testing. Allele origin: germline.

GeneDx
Classification: Likely benign. Last evaluated: 2019-08-28. Review status: criteria provided, single submitter. Criteria: GeneDx Variant Classification Process June 2021. Collection method: clinical testing. Allele origin: germline. Affected: yes.

PreventionGenetics, part of Exact Sciences
Classification: Likely benign for OTOF-related condition. Last evaluated: 2019-04-29. Review status: no assertion criteria provided. Collection method: clinical testing. Allele origin: germline. Not counted in ClinVar's aggregate classification.
Comment: This variant is classified as likely benign based on ACMG/AMP sequence variant interpretation guidelines (Richards et al. 2015 PMID: 25741868, with internal and published modifications).